The following is an entry in ClinVar:

ClinVar aggregate classification (germline): Uncertain significance (1 of 4 stars; one submission).

gnomAD v4.1: 4 of 1,570,954 alleles (0.00025%); highest among the groups gnomAD compares: Non-Finnish European, 0.00026%; no homozygotes.

Submission:

Labcorp Genetics (formerly Invitae), Labcorp
Classification: Uncertain significance. Last evaluated: 2023-07-17. Review status: criteria provided, single submitter. Criteria: Invitae Variant Classification Sherloc (09022015). Collection method: clinical testing. Allele origin: germline.
Comment: This variant is not present in population databases (gnomAD no frequency). In summary, the available evidence is currently insufficient to determine the role of this variant in disease. Therefore, it has been classified as a Variant of Uncertain Significance. Variants that disrupt the consensus splice site are a relatively common cause of aberrant splicing (PMID: 17576681, 9536098). Algorithms developed to predict the effect of sequence changes on RNA splicing suggest that this variant may disrupt the consensus splice site. ClinVar contains an entry for this variant (Variation ID: 2202108). This variant has not been reported in the literature in individuals affected with COL9A2-related conditions. This sequence change falls in intron 1 of the COL9A2 gene. It does not directly change the encoded amino acid sequence of the COL9A2 protein. It affects a nucleotide within the consensus splice site.

Literature cited by the submitters: PubMed 17576681; PubMed 9536098.

NM_001852.4(COL9A2):c.75+4A>G

Gene: COL9A2 (collagen type IX alpha 2 chain; minus strand). Cytogenetic location: 1p34.2.
Variant type: single nucleotide variant.
Coding change: c.75+4A>G on transcript NM_001852.4 (MANE Select); 4 bases into the intron after coding-DNA position 75, A replaced by G.
Molecular consequence: intron variant.
Genome position (GRCh38, 1-based): chr1:40,317,119, T>C on the plus strand (A>G on the coding strand, the complement: COL9A2 is on the minus strand). VCF-style: chr1-40317119-T-C. GRCh37 (hg19) VCF-style: chr1-40782791-T-C.
Identifiers: ClinVar variation 2202108 (VCV002202108.4), dbSNP rs765789134, ClinGen allele CA21042610.